The following is an entry in ClinVar:

ClinVar aggregate classification (germline): Benign/Likely benign. Review status: criteria provided, multiple submitters, no conflicts (2 of 4 stars). 11 submissions from 11 submitters: Benign (9); Likely benign (1). 1 of the submissions does not count toward it. Last evaluated 2026-02-04.

Conditions:
Glycosuria. Also called: Abnormality of urine glucose concentration; glucosuria. Identifiers: MedGen C0017979, HP:0003076.
Maturity-onset diabetes of the young (MODY). Also called: Maturity onset diabetes mellitus in young. Identifiers: Orphanet 552, MedGen C0342276, MONDO:0018911, HP:0004904.

Allele frequency attached by ClinVar (database versions not stated): 1000 Genomes Project 30x 0.16740; 1000 Genomes Project 0.16873; TOPMed 0.17668; gnomAD 0.17964 and 0.18063; ESP Exome Variant Server 0.19045; gnomAD exomes 0.19746 and 0.22410; ExAC 0.20079.
gnomAD v4.1: 354,367 of 1,609,480 alleles (22%); highest among the groups gnomAD compares: South Asian, 24%; 40,880 homozygotes.

Submissions (11):

Labcorp Genetics (formerly Invitae), Labcorp
Classification: Benign. Last evaluated: 2026-02-04. Review status: criteria provided, single submitter. Criteria: Invitae Variant Classification Sherloc (09022015). Collection method: clinical testing. Allele origin: germline.

Blueprint Genetics
Classification: Benign. Last evaluated: 2024-11-28. Review status: criteria provided, single submitter. Criteria: ACMG Guidelines, 2015. Collection method: clinical testing. Allele origin: germline.

Mayo Clinic Laboratories, Mayo Clinic
Classification: Benign. Last evaluated: 2023-01-23. Review status: criteria provided, single submitter. Criteria: ACMG Guidelines, 2015. Collection method: clinical testing. Allele origin: germline. Observed: 63 variant alleles.
Comment: BA1, BS2

Laboratory for Molecular Medicine, Mass General Brigham Personalized Medicine
Classification: Benign. Last evaluated: 2019-04-24. Review status: criteria provided, single submitter. Criteria: LMM Criteria. Collection method: clinical testing. Allele origin: germline. Observed: 1 variant allele.
Comment: The c.95-5C>T variant in HNF4A is classified as benign because it has been identified in 19.56% (55114/281792) of total chromosomes by gnomAD. Additionally, this variant does not alter the splice consensus sequence and is not predicted to impact splicing. ACMG/AMP criteria applied: BA1, BP4.

Athena Diagnostics
Classification: Benign. Last evaluated: 2017-07-12. Review status: criteria provided, single submitter. Criteria: Athena Diagnostics Criteria. Collection method: clinical testing. Allele origin: germline.

Ambry Genetics
Classification: Benign for Maturity-onset diabetes of the young. Last evaluated: 2015-05-08. Review status: criteria provided, single submitter. Criteria: Ambry Variant Classification Scheme 2023. Collection method: clinical testing. Allele origin: germline.

GeneDx
Classification: Benign. Last evaluated: 2015-03-03. Review status: criteria provided, single submitter. Criteria: GeneDx Variant Classification Process June 2021. Collection method: clinical testing. Allele origin: germline. Affected: yes.
Comment: This variant is associated with the following publications: (PMID: 10983627, 25266181)

Breakthrough Genomics
Classification: Likely benign. Review status: criteria provided, single submitter. Criteria: ACMG Guidelines, 2015. Collection method: not provided. Allele origin: germline. Inheritance: Autosomal dominant inheritance. Affected: yes.

Clinical Genomics, Uppaluri K&H Personalized Medicine Clinic
Classification: Benign for Glycosuria. Review status: criteria provided, single submitter. Criteria: K&H Uppaluri Personalized Medicine Clinic Variant Classification & Assertion Criteria. Collection method: research. Allele origin: somatic. Affected: yes.
Comment: Mutations in HNF4A are associated with poor insulin secretion in response to hyperglycemia. These are associated with MODY1. Patients initially respond well to sulfonylureas but eventually become insulin dependent. As rs745975 SNP of HNF4α gene is associated with whole body insulin sensitivity and glucose tolerance and these factors are modulated by physical activity.

PreventionGenetics, part of Exact Sciences
Classification: Benign. Review status: criteria provided, single submitter. Criteria: ACMG Guidelines, 2015. Collection method: clinical testing. Allele origin: germline.

Genetic Services Laboratory, University of Chicago
Classification: Likely benign for AllHighlyPenetrant. Review status: no assertion criteria provided. Collection method: clinical testing. Allele origin: germline. Inheritance: Autosomal dominant inheritance. Not counted in ClinVar's aggregate classification.
Comment: Likely benign based on allele frequency in 1000 Genomes Project or ESP global frequency and its presence in a patient with a rare or unrelated disease phenotype. NOT Sanger confirmed.

Literature cited by the submitters: PubMed 25266181 (cited by Mayo Clinic Laboratories, Mayo Clinic); PubMed 15793260 (cited by Athena Diagnostics); PubMed 16883527 (cited by Athena Diagnostics); PubMed 16946562 (cited by Athena Diagnostics and Ambry Genetics); PubMed 17573900 (cited by Athena Diagnostics); PubMed 18811724 (cited by Athena Diagnostics); PubMed 9267996 (cited by Athena Diagnostics); PubMed 9313765 (cited by Athena Diagnostics); PubMed 9449683 (cited by Athena Diagnostics); PubMed 27846149 (cited by Clinical Genomics, Uppaluri K&H Personalized Medicine Clinic); PubMed 19406499 (cited by Clinical Genomics, Uppaluri K&H Personalized Medicine Clinic).

NM_175914.5(HNF4A):c.50-5C>T

Gene: HNF4A (hepatocyte nuclear factor 4 alpha; plus strand). Cytogenetic location: 20q13.12.
Variant type: single nucleotide variant.
Coding change: c.50-5C>T on transcript NM_175914.5 (MANE Select); 5 bases into the intron before coding-DNA position 50, C replaced by T.
Molecular consequence: intron variant.
Genome position (GRCh38, 1-based): chr20:44,406,053, C>T. VCF-style: chr20-44406053-C-T. GRCh37 (hg19) VCF-style: chr20-43034693-C-T.
Other names: p.?; c.41-5C>T (NM_001287182.2, NM_001287183.2, NM_001287184.2); c.50-5C>T (NM_001030003.3, NM_001030004.3); c.95-5C>T (NM_001258355.2); c.116-5C>T (NM_178849.3, NM_000457.6, NM_178850.3).
Identifiers: ClinVar variation 129239 (VCV000129239.30), dbSNP rs745975, ClinGen allele CA153113.
Genomic context (GRCh38, chr20:44,406,053, plus strand): 5'-AGGCTCCCTTAGATGCCTGACATTCTGTTCTTCCTGAAGCCTCACTCCCTTCTCTCCTGG[C>T]GCAGACACGTCCCCATCAGAAGGCACCAACCTCAACGCGCCCAACAGCCTGGGTGTCAGC-3'